The following is an entry in ClinVar:

NM_000350.3(ABCA4):c.4537C>A (p.Gln1513Lys)

Gene: ABCA4 (ATP binding cassette subfamily A member 4; minus strand). Cytogenetic location: 1p22.1.
Variant type: single nucleotide variant.
Coding change: c.4537C>A on transcript NM_000350.3 (MANE Select); coding-DNA position 4537, C replaced by A.
Protein change: p.Gln1513Lys; replaces glutamine 1513 with lysine.
Molecular consequence: missense variant.
Genome position (GRCh38, 1-based): chr1:94,029,447, G>T on the plus strand (C>A on the coding strand, the complement: ABCA4 is on the minus strand). VCF-style: chr1-94029447-G-T. GRCh37 (hg19) VCF-style: chr1-94495003-G-T.
Other names: c.4315C>A, p.Gln1439Lys (NM_001425324.1); short protein forms Q1513K, Q1439K.
Identifiers: ClinVar variation 1044276 (VCV001044276.8), dbSNP rs759373898, ClinGen allele CA341284769.

ClinVar aggregate classification (germline): Uncertain significance (1 of 4 stars; one submission).

gnomAD v4.1: 2 of 1,548,894 alleles (0.00013%); highest among the groups gnomAD compares: South Asian, 0.0012%; no homozygotes.

Submission:

Labcorp Genetics (formerly Invitae), Labcorp
Classification: Uncertain significance. Last evaluated: 2024-11-18. Review status: criteria provided, single submitter. Criteria: Invitae Variant Classification Sherloc (09022015). Collection method: clinical testing. Allele origin: germline.
Comment: This sequence change replaces glutamine, which is neutral and polar, with lysine, which is basic and polar, at codon 1513 of the ABCA4 protein (p.Gln1513Lys). This variant is not present in population databases (gnomAD no frequency). This variant has not been reported in the literature in individuals affected with ABCA4-related conditions. ClinVar contains an entry for this variant (Variation ID: 1044276). An algorithm developed to predict the effect of missense changes on protein structure and function (PolyPhen-2) suggests that this variant is likely to be tolerated. This variant disrupts the p.Gln1513 amino acid residue in ABCA4. Other variant(s) that disrupt this residue have been determined to be pathogenic (PMID: 28559085, 29925512; internal data). This suggests that this residue is clinically significant, and that variants that disrupt this residue are likely to be disease-causing. In summary, the available evidence is currently insufficient to determine the role of this variant in disease. Therefore, it has been classified as a Variant of Uncertain Significance.

Literature cited by the submitters: PubMed 28559085; PubMed 29925512.